The following is an entry in ClinVar:

NM_004082.5(DCTN1):c.2359C>G (p.Leu787Val)

Gene: DCTN1 (dynactin subunit 1; minus strand). Cytogenetic location: 2p13.1.
Variant type: single nucleotide variant.
Coding change: c.2359C>G on transcript NM_004082.5 (MANE Select); coding-DNA position 2359, C replaced by G.
Protein change: p.Leu787Val; replaces leucine 787 with valine.
Molecular consequence: missense variant. On other transcripts: non-coding transcript variant (1).
Genome position (GRCh38, 1-based): chr2:74,366,890, G>C on the plus strand (C>G on the coding strand, the complement: DCTN1 is on the minus strand). VCF-style: chr2-74366890-G-C. GRCh37 (hg19) VCF-style: chr2-74594017-G-C.
Other names: c.2299C>G, p.Leu767Val (NM_001135040.3); c.1957C>G, p.Leu653Val (NM_001135041.3, NM_023019.4); c.2248C>G, p.Leu750Val (NM_001190836.2); c.2338C>G, p.Leu780Val (NM_001190837.2); c.2308C>G, p.Leu770Val (NM_001378991.1); c.2290C>G, p.Leu764Val (NM_001378992.1); short protein forms L764V, L770V, L780V, L787V, L750V, L653V, L767V.
Identifiers: ClinVar variation 1517215 (VCV001517215.8), dbSNP rs2104417597, ClinGen allele CA347347716.

ClinVar aggregate classification (germline): Uncertain significance (1 of 4 stars; one submission).

Conditions:
Amyotrophic lateral sclerosis type 1 (ALS1). Also called: AMYOTROPHIC LATERAL SCLEROSIS 1, FAMILIAL. Identifiers: Orphanet 803, MedGen C1862939, MONDO:0007103, OMIM 105400.
Perry syndrome. Also called: PARKINSONISM WITH ALVEOLAR HYPOVENTILATION AND MENTAL DEPRESSION. Identifiers: Orphanet 178509, MedGen C1868594, MONDO:0008201, OMIM 168605.
Neuronopathy, distal hereditary motor, type 7B. Also called: Distal Hereditary Motor Neuronopathy Type 7B (dHMN7B); HMN VIIB; LOWER MOTOR NEURON DISEASE, DYNACTIN TYPE; NEURONOPATHY, DISTAL HEREDITARY MOTOR, AUTOSOMAL DOMINANT 14; NEURONOPATHY, DISTAL HEREDITARY MOTOR, HARDING TYPE VIIB; NEUROPATHY, DISTAL HEREDITARY MOTOR, HARDING TYPE VIIB. Identifiers: Orphanet 139589, MedGen C1843315, MONDO:0011879, OMIM 607641.

Submission:

Labcorp Genetics (formerly Invitae), Labcorp
Classification: Uncertain significance for Amyotrophic lateral sclerosis type 1; Neuronopathy, distal hereditary motor, type 7B; Perry syndrome. Last evaluated: 2021-03-17. Review status: criteria provided, single submitter. Criteria: Invitae Variant Classification Sherloc (09022015). Collection method: clinical testing. Allele origin: germline.
Comment: In summary, the available evidence is currently insufficient to determine the role of this variant in disease. Therefore, it has been classified as a Variant of Uncertain Significance. Algorithms developed to predict the effect of missense changes on protein structure and function (SIFT, PolyPhen-2, Align-GVGD) all suggest that this variant is likely to be disruptive, but these predictions have not been confirmed by published functional studies and their clinical significance is uncertain. This variant has not been reported in the literature in individuals with DCTN1-related conditions. This variant is not present in population databases (ExAC no frequency). This sequence change replaces leucine with valine at codon 787 of the DCTN1 protein (p.Leu787Val). The leucine residue is highly conserved and there is a small physicochemical difference between leucine and valine.